The following is an entry in ClinVar:

ClinVar aggregate classification (germline): Likely benign (1 of 4 stars; one submission).

Allele frequency attached by ClinVar (database versions not stated): ExAC 0.00002; gnomAD exomes 0.00002; TOPMed 0.00002.

Submission:

CeGaT Center for Human Genetics Tuebingen
Classification: Likely benign. Last evaluated: 2022-07-01. Review status: criteria provided, single submitter. Criteria: CeGaT Center For Human Genetics Tuebingen Variant Classification Criteria Version 2. Collection method: clinical testing. Allele origin: germline. Affected: yes. Observed: 1 variant allele.
Comment: LRRC15: BP4, BP7

NM_130830.5(LRRC15):c.1083C>T (p.Phe361=)

Gene: LRRC15 (leucine rich repeat containing 15; minus strand). Cytogenetic location: 3q29.
Variant type: single nucleotide variant.
Coding change: c.1083C>T on transcript NM_130830.5 (MANE Select); coding-DNA position 1083, C replaced by T.
Protein change: p.Phe361=; no amino-acid change (phenylalanine 361 retained).
Molecular consequence: synonymous variant.
Genome position (GRCh38, 1-based): chr3:194,359,961, G>A on the plus strand (C>T on the coding strand, the complement: LRRC15 is on the minus strand). VCF-style: chr3-194359961-G-A. GRCh37 (hg19) VCF-style: chr3-194080690-G-A.
Other names: c.1101C>T, p.Phe367= (NM_001135057.3).
Identifiers: ClinVar variation 2654362 (VCV002654362.24), dbSNP rs745844927, ClinGen allele CA2760687.